The following is an entry in ClinVar:

ClinVar aggregate classification (germline): Uncertain significance (1 of 4 stars; one submission).

Conditions:
Cardiovascular phenotype. Identifiers: MedGen CN230736.

gnomAD v4.1: 1 of 1,614,128 alleles (0.000062%); highest among the groups gnomAD compares: Middle Eastern, 0.016%; no homozygotes.

Submission:

Ambry Genetics
Classification: Uncertain significance for Cardiovascular phenotype. Last evaluated: 2025-09-25. Review status: criteria provided, single submitter. Criteria: Ambry Variant Classification Scheme 2023. Collection method: clinical testing. Allele origin: germline.
Comment: The p.L1771V variant (also known as c.5311C>G), located in coding exon 27 of the SCN10A gene, results from a C to G substitution at nucleotide position 5311. The leucine at codon 1771 is replaced by valine, an amino acid with highly similar properties. This amino acid position is conserved. In addition, the in silico prediction for this alteration is inconclusive. Based on the available evidence, the clinical significance of this variant remains unclear.

NM_006514.4(SCN10A):c.5311C>G (p.Leu1771Val)

Gene: SCN10A (sodium voltage-gated channel alpha subunit 10; minus strand). Cytogenetic location: 3p22.2.
Variant type: single nucleotide variant.
Coding change: c.5311C>G on transcript NM_006514.4 (MANE Select); coding-DNA position 5311, C replaced by G.
Protein change: p.Leu1771Val; replaces leucine 1771 with valine.
Molecular consequence: missense variant.
Genome position (GRCh38, 1-based): chr3:38,697,909, G>C on the plus strand (C>G on the coding strand, the complement: SCN10A is on the minus strand). VCF-style: chr3-38697909-G-C. GRCh37 (hg19) VCF-style: chr3-38739400-G-C.
Other names: c.5308C>G, p.Leu1770Val (NM_001293306.2); c.5017C>G, p.Leu1673Val (NM_001293307.2); short protein forms L1770V, L1771V, L1673V.
Identifiers: ClinVar variation 4614868 (VCV004614868.1).
Genomic context (GRCh38, chr3:38,697,909, plus strand): 5'-GCAGGTCCATCTGGATCAGTATATTTCGATTGGGTTTTGGGATTCTCAGGGGACCAGAGA[G>C]AGTGTCTGCAAAGTCCGAGAGAGCAGAAAAGGTAATAAACTGAGTGGCCTCTGGGTCAAA-3'
Protein context (NP_006505.4, residues 1761-1781): FSALSDFADT[Leu1771Val]SGPLRIPKPN